The following is an entry in ClinVar:

ClinVar aggregate classification (germline): Likely pathogenic (1 of 4 stars; one submission).

Conditions:
Intellectual developmental disorder, autosomal dominant 6, with or without seizures. Also called: Intellectual disability, autosomal dominant 6; GRIN2B-related developmental delay, intellectual disability and autism spectrum disorder. Identifiers: Orphanet 589547, MedGen C3151411, MONDO:0013509, OMIM 613970.

Submission:

Laboratoire Génétique Moléculaire, CHRU TOURS
Classification: Likely pathogenic for Intellectual developmental disorder, autosomal dominant 6, with or without seizures. Last evaluated: 2022-11-17. Review status: criteria provided, single submitter. Criteria: ACMG Guidelines, 2015. Collection method: clinical testing. Allele origin: de novo. Affected: yes.
Comment: PS2;PM2;PM5;PP3;PP4

NM_000834.5(GRIN2B):c.1556G>T (p.Arg519Leu)

Gene: GRIN2B (glutamate ionotropic receptor NMDA type subunit 2B; minus strand). Cytogenetic location: 12p13.1.
Variant type: single nucleotide variant.
Coding change: c.1556G>T on transcript NM_000834.5 (MANE Select); coding-DNA position 1556, G replaced by T.
Protein change: p.Arg519Leu; replaces arginine 519 with leucine.
Molecular consequence: missense variant.
Genome position (GRCh38, 1-based): chr12:13,615,212, C>A on the plus strand (G>T on the coding strand, the complement: GRIN2B is on the minus strand). VCF-style: chr12-13615212-C-A. GRCh37 (hg19) VCF-style: chr12-13768146-C-A.
Other names: c.1556G>T, p.Arg519Leu (NM_001413992.1); short protein forms R519L.
Identifiers: ClinVar variation 4294399 (VCV004294399.1).